The following is an entry in ClinVar:

NM_006384.4(CIB1):c.465+1del

Gene: CIB1 (calcium and integrin binding 1; minus strand). Cytogenetic location: 15q26.1.
Variant type: Deletion.
Coding change: c.465+1del on transcript NM_006384.4 (MANE Select); the canonical splice donor site of the intron after coding-DNA position 465, one base deleted (G; older notation c.465+1delG).
Molecular consequence: splice donor variant.
Genome position (GRCh38, 1-based): chr15:90,231,094, C deleted on the plus strand (G on the coding strand, the reverse complement: CIB1 is on the minus strand). VCF-style (leftmost placement, unchanged base first): chr15-90231093-AC-A. GRCh37 (hg19) VCF-style: chr15-90774325-AC-A.
Other names: c.585+1del (NM_001277764.2); c.465+1delG (NM_006384.4).
Identifiers: ClinVar variation 3256950 (VCV003256950.1).

ClinVar aggregate classification (germline): Likely pathogenic (1 of 4 stars; one submission).

Conditions:
Susceptibility to severe COVID-19.

Submission:

Molecular Medicine Center, Medical University of Sofia
Classification: Likely pathogenic for Susceptibility to severe COVID-19. Last evaluated: 2024-07-22. Review status: criteria provided, single submitter. Criteria: ACMG Guidelines, 2015. Collection method: research. Allele origin: germline. Affected: yes.
Comment: Novel (unreported in gnomAD or dbSNP until April 2024) variant found in severely infected COVID-19 Bulgarian patients in a research study. Variant is classified as likely pathogenic according to the ACMG criteria: PM2,PVS1.